The following is an entry in ClinVar:

ClinVar aggregate classification (germline): Conflicting classifications of pathogenicity. Review status: criteria provided, conflicting classifications (1 of 4 stars). 6 submissions from 5 submitters: Uncertain significance (2); Likely benign (2). 2 of the submissions do not count toward it. Last evaluated 2026-01-26.

Conditions:
Severe early-childhood-onset retinal dystrophy (STGD1). Also called: Stargardt macular dystrophy; Juvenile onset macular degeneration; Stargardt disease 1; MACULAR DYSTROPHY WITH FLECKS, TYPE 1; STGD. Identifiers: Orphanet 364055, Orphanet 827, MedGen C1855465, MeSH D000080362, MONDO:0009549, OMIM 248200.
Achromatopsia 3 (ACHM3). Also called: ACHROMATOPSIA WITH MYOPIA; PINGELAPESE BLINDNESS; TOTAL COLORBLINDNESS WITH MYOPIA; ROD MONOCHROMACY 1; ROD MONOCHROMATISM 1. Identifiers: Orphanet 49382, MedGen C1849792, MONDO:0009875, OMIM 262300.
CNGB3-related disorder. Also called: CNGB3-related disorders; CNGB3-related condition. Identifiers: MedGen CN239340.
Achromatopsia. Also called: Rod monochromatism. Identifiers: Orphanet 49382, MedGen C0152200, MONDO:0018852, HP:0011516.

Allele frequency attached by ClinVar (database versions not stated): ExAC 0.00048; 1000 Genomes Project 30x 0.00125; 1000 Genomes Project 0.00140; gnomAD 0.00124; ESP Exome Variant Server 0.00131; TOPMed 0.00118.
gnomAD v4.1: 521 of 1,602,130 alleles (0.033%); highest among the groups gnomAD compares: African/African-American, 0.47%; 2 homozygotes.

Submissions (6):

Labcorp Genetics (formerly Invitae), Labcorp
Classification: Likely benign. Last evaluated: 2026-01-26. Review status: criteria provided, single submitter. Criteria: Invitae Variant Classification Sherloc (09022015). Collection method: clinical testing. Allele origin: germline.

Blueprint Genetics
Classification: Likely benign. Last evaluated: 2024-11-13. Review status: criteria provided, single submitter. Criteria: ACMG Guidelines, 2015. Collection method: clinical testing. Allele origin: germline.

Illumina Laboratory Services, Illumina
Classification: Uncertain significance for Achromatopsia 3. Last evaluated: 2017-04-27. Review status: criteria provided, single submitter. Criteria: ICSL Variant Classification Criteria 13 December 2019. Collection method: clinical testing. Allele origin: germline.

Illumina Laboratory Services, Illumina
Classification: Uncertain significance for Severe early-childhood-onset retinal dystrophy. Last evaluated: 2017-04-27. Review status: criteria provided, single submitter. Criteria: ICSL Variant Classification Criteria 13 December 2019. Collection method: clinical testing. Allele origin: germline.

PreventionGenetics, part of Exact Sciences
Classification: Likely benign for CNGB3-related condition. Last evaluated: 2024-09-23. Review status: no assertion criteria provided. Collection method: clinical testing. Allele origin: germline. Not counted in ClinVar's aggregate classification.
Comment: This variant is classified as likely benign based on ACMG/AMP sequence variant interpretation guidelines (Richards et al. 2015 PMID: 25741868, with internal and published modifications).

Natera, Inc.
Classification: Uncertain significance for Achromatopsia. Last evaluated: 2019-11-11. Review status: no assertion criteria provided. Collection method: clinical testing. Allele origin: germline. Not counted in ClinVar's aggregate classification.

NM_019098.5(CNGB3):c.2159A>G (p.Gln720Arg)

Gene: CNGB3 (cyclic nucleotide gated channel subunit beta 3; minus strand). Cytogenetic location: 8q21.3.
Variant type: single nucleotide variant.
Coding change: c.2159A>G on transcript NM_019098.5 (MANE Select); coding-DNA position 2159, A replaced by G.
Protein change: p.Gln720Arg; replaces glutamine 720 with arginine.
Molecular consequence: missense variant.
Genome position (GRCh38, 1-based): chr8:86,576,075, T>C on the plus strand (A>G on the coding strand, the complement: CNGB3 is on the minus strand). VCF-style: chr8-86576075-T-C. GRCh37 (hg19) VCF-style: chr8-87588303-T-C.
Other names: short protein forms Q720R.
Identifiers: ClinVar variation 756110 (VCV000756110.17), dbSNP rs112573107, ClinGen allele CA4799784.